The following is an entry in ClinVar:

ClinVar aggregate classification (germline): Uncertain significance. Review status: criteria provided, multiple submitters, no conflicts (2 of 4 stars). 2 submissions from 2 submitters: Uncertain significance (2). Last evaluated 2026-07-06.

Conditions:
Inborn genetic diseases. Identifiers: MedGen C0950123, MeSH D030342.
Deafness-lymphedema-leukemia syndrome. Also called: Emberger syndrome; Lymphedema, primary, with myelodysplasia. Identifiers: Orphanet 3226, MedGen C3279664, MONDO:0013540, OMIM 614038.
Monocytopenia with susceptibility to infections. Also called: IMMUNODEFICIENCY 21; GATA2 DEFICIENCY; MONOCYTOPENIA AND MYCOBACTERIAL INFECTION SYNDROME; MONOCYTOPENIA WITH SUSCEPTIBILITY TO MYCOBACTERIAL, FUNGAL, AND PAPILLOMAVIRUS INFECTIONS AND MYELODYSPLASIA; COMBINED IMMUNODEFICIENCY WITH SUSCEPTIBILITY TO MYCOBACTERIAL, VIRAL, AND FUNGAL INFECTIONS; Dendritic cell, monocyte, B lymphocyte, and natural killer lymphocyte deficiency. Identifiers: Orphanet 228423, MedGen C3280030, MONDO:0013607, OMIM 614172.

Submissions (2):

Ambry Genetics
Classification: Uncertain significance for Inborn genetic diseases. Last evaluated: 2026-07-06. Review status: criteria provided, single submitter. Criteria: Ambry Variant Classification Scheme 2023. Collection method: clinical testing. Allele origin: germline.
Comment: The p.P96S variant (also known as c.286C>T), located in coding exon 2 of the GATA2 gene, results from a C to T substitution at nucleotide position 286. The proline at codon 96 is replaced by serine, an amino acid with similar properties. This amino acid position is conserved. In addition, the in silico prediction for this alteration is inconclusive. Based on the available evidence, the clinical significance of this variant remains unclear.

Labcorp Genetics (formerly Invitae), Labcorp
Classification: Uncertain significance for Monocytopenia with susceptibility to infections; Deafness-lymphedema-leukemia syndrome. Last evaluated: 2023-04-24. Review status: criteria provided, single submitter. Criteria: Invitae Variant Classification Sherloc (09022015). Collection method: clinical testing. Allele origin: germline.
Comment: This sequence change replaces proline, which is neutral and non-polar, with serine, which is neutral and polar, at codon 96 of the GATA2 protein (p.Pro96Ser). This variant is not present in population databases (gnomAD no frequency). This variant has not been reported in the literature in individuals affected with GATA2-related conditions. ClinVar contains an entry for this variant (Variation ID: 1518119). Advanced modeling of protein sequence and biophysical properties (such as structural, functional, and spatial information, amino acid conservation, physicochemical variation, residue mobility, and thermodynamic stability) performed at Invitae indicates that this missense variant is not expected to disrupt GATA2 protein function. In summary, the available evidence is currently insufficient to determine the role of this variant in disease. Therefore, it has been classified as a Variant of Uncertain Significance.

NM_032638.5(GATA2):c.286C>T (p.Pro96Ser)

Gene: GATA2 (GATA binding protein 2; minus strand). Cytogenetic location: 3q21.3.
Variant type: single nucleotide variant.
Coding change: c.286C>T on transcript NM_032638.5 (MANE Select); coding-DNA position 286, C replaced by T.
Protein change: p.Pro96Ser; replaces proline 96 with serine.
Molecular consequence: missense variant.
Genome position (GRCh38, 1-based): chr3:128,486,312, G>A on the plus strand (C>T on the coding strand, the complement: GATA2 is on the minus strand). VCF-style: chr3-128486312-G-A. GRCh37 (hg19) VCF-style: chr3-128205155-G-A.
Other names: c.286C>T, p.Pro96Ser (NM_001145661.2, NM_001145662.1); c.286C>T (NM_001145661.1); short protein forms P96S.
Identifiers: ClinVar variation 1518119 (VCV001518119.9), dbSNP rs868076604, ClinGen allele CA83372083.